The following is an entry in ClinVar:

NM_005802.5(TOPORS):c.1259C>T (p.Thr420Ile)

Gene: TOPORS (TOP1 binding arginine/serine rich protein, E3 ubiquitin ligase; minus strand). Cytogenetic location: 9p21.1.
Variant type: single nucleotide variant.
Coding change: c.1259C>T on transcript NM_005802.5 (MANE Select); coding-DNA position 1259, C replaced by T.
Protein change: p.Thr420Ile; replaces threonine 420 with isoleucine.
Molecular consequence: missense variant.
Genome position (GRCh38, 1-based): chr9:32,543,266, G>A on the plus strand (C>T on the coding strand, the complement: TOPORS is on the minus strand). VCF-style: chr9-32543266-G-A. GRCh37 (hg19) VCF-style: chr9-32543264-G-A.
Other names: c.1064C>T, p.Thr355Ile (NM_001195622.2); short protein forms T420I, T355I.
Identifiers: ClinVar variation 2859813 (VCV002859813.3), dbSNP rs2489451969, ClinGen allele CA373170819.

ClinVar aggregate classification (germline): Uncertain significance (1 of 4 stars; one submission).

Submission:

Labcorp Genetics (formerly Invitae), Labcorp
Classification: Uncertain significance. Last evaluated: 2023-04-27. Review status: criteria provided, single submitter. Criteria: Invitae Variant Classification Sherloc (09022015). Collection method: clinical testing. Allele origin: germline.
Comment: An algorithm developed to predict the effect of missense changes on protein structure and function (PolyPhen-2) suggests that this variant is likely to be disruptive. This variant has not been reported in the literature in individuals affected with TOPORS-related conditions. This variant is not present in population databases (gnomAD no frequency). This sequence change replaces threonine, which is neutral and polar, with isoleucine, which is neutral and non-polar, at codon 420 of the TOPORS protein (p.Thr420Ile). In summary, the available evidence is currently insufficient to determine the role of this variant in disease. Therefore, it has been classified as a Variant of Uncertain Significance.